The following is an entry in ClinVar:

ClinVar aggregate classification (germline): Uncertain significance. Review status: criteria provided, multiple submitters, no conflicts (2 of 4 stars). 2 submissions from 2 submitters: Uncertain significance (2). Last evaluated 2025-07-17.

Conditions:
Hereditary cancer-predisposing syndrome. Also called: Neoplastic Syndromes, Hereditary; Tumor predisposition; Hereditary neoplastic syndrome; Hereditary Cancer Syndrome. Identifiers: Orphanet 140162, MedGen C0027672, MeSH D009386, MONDO:0015356.

Submissions (2):

Ambry Genetics
Classification: Uncertain significance for Hereditary cancer-predisposing syndrome. Last evaluated: 2025-07-17. Review status: criteria provided, single submitter. Criteria: Ambry Variant Classification Scheme 2023. Collection method: clinical testing. Allele origin: germline.
Comment: The p.H1119Y variant (also known as c.3355C>T), located in coding exon 15 of the APC gene, results from a C to T substitution at nucleotide position 3355. The histidine at codon 1119 is replaced by tyrosine, an amino acid with similar properties. This amino acid position is well conserved in available vertebrate species. In addition, in silico predictors for this gene do not accurately predict pathogenicity. Missense alterations in APC are not a common cause of disease (Spier I et al. Genet Med. 2024 Feb;26(2):100992). Based on the available evidence, the clinical significance of this variant remains unclear.

Color Diagnostics, LLC DBA Color Health
Classification: Uncertain significance for Hereditary cancer-predisposing syndrome. Last evaluated: 2019-01-07. Review status: criteria provided, single submitter. Criteria: ACMG Guidelines, 2015. Collection method: clinical testing. Allele origin: germline.

NM_000038.6(APC):c.3355C>T (p.His1119Tyr)

Gene: APC (APC regulator of Wnt signaling pathway; plus strand). Cytogenetic location: 5q22.2.
Variant type: single nucleotide variant.
Coding change: c.3355C>T on transcript NM_000038.6 (MANE Select); coding-DNA position 3355, C replaced by T.
Protein change: p.His1119Tyr; replaces histidine 1119 with tyrosine.
Molecular consequence: missense variant.
Genome position (GRCh38, 1-based): chr5:112,838,949, C>T. VCF-style: chr5-112838949-C-T. GRCh37 (hg19) VCF-style: chr5-112174646-C-T.
Other names: c.3355C>T, p.His1119Tyr (NM_001127510.3, NM_001354895.2); c.3301C>T, p.His1101Tyr (NM_001127511.3); c.3409C>T, p.His1137Tyr (NM_001354896.2); c.3385C>T, p.His1129Tyr (NM_001354897.2); c.3280C>T, p.His1094Tyr (NM_001354898.2); c.3271C>T, p.His1091Tyr (NM_001354899.2); c.3232C>T, p.His1078Tyr (NM_001354900.2); c.3178C>T, p.His1060Tyr (NM_001354901.2); and 5 more; short protein forms H1119Y, H1101Y, H1028Y, H993Y, H1060Y, H1078Y, H1018Y, H959Y.
Identifiers: ClinVar variation 628833 (VCV000628833.4), dbSNP rs1266515539, ClinGen allele CA16028683.